The following is an entry in ClinVar:

NM_015021.3(ZNF292):c.2220C>T (p.His740=)

Gene: ZNF292 (zinc finger protein 292; plus strand). Cytogenetic location: 6q14.3.
Variant type: single nucleotide variant.
Coding change: c.2220C>T on transcript NM_015021.3 (MANE Select); coding-DNA position 2220, C replaced by T.
Protein change: p.His740=; no amino-acid change (histidine 740 retained).
Molecular consequence: synonymous variant.
Genome position (GRCh38, 1-based): chr6:87,255,849, C>T. VCF-style: chr6-87255849-C-T. GRCh37 (hg19) VCF-style: chr6-87965567-C-T.
Other names: c.1800C>T, p.His600= (NM_001351444.2); c.2220C>T (NM_015021.1).
Identifiers: ClinVar variation 4821685 (VCV004821685.6).

ClinVar aggregate classification (germline): Likely benign. Review status: criteria provided, multiple submitters, no conflicts (2 of 4 stars). 3 submissions from 3 submitters: Likely benign (3). Last evaluated 2026-02-01.

Conditions:
ZNF292-related disorder. Also called: ZNF292-related condition.

gnomAD v4.1: 168 of 1,613,816 alleles (0.01%); highest among the groups gnomAD compares: African/African-American, 0.19%; no homozygotes.

Submissions (3):

CeGaT Center for Human Genetics Tuebingen
Classification: Likely benign. Last evaluated: 2026-02-01. Review status: criteria provided, single submitter. Criteria: CeGaT Center For Human Genetics Tuebingen Variant Classification Criteria Version 2. Collection method: clinical testing. Allele origin: germline. Affected: yes. Observed: 1 variant allele.
Comment: ZNF292: BP4, BP7, BS1

PreventionGenetics, part of Exact Sciences
Classification: Likely benign for ZNF292-related condition. Last evaluated: 2025-10-02. Review status: criteria provided, single submitter. Criteria: ACMG Guidelines, 2015. Collection method: clinical testing. Allele origin: germline.
Comment: This variant is classified as likely benign based on ACMG/AMP sequence variant interpretation guidelines (Richards et al. 2015 PMID: 25741868, with internal and published modifications).

Blueprint Genetics
Classification: Likely benign. Last evaluated: 2024-11-13. Review status: criteria provided, single submitter. Criteria: ACMG Guidelines, 2015. Collection method: clinical testing. Allele origin: germline.